The following is an entry in ClinVar:

ClinVar aggregate classification (germline): Uncertain significance (1 of 4 stars; one submission).

Conditions:
Autosomal recessive ataxia, Beauce type. Also called: SYNE1-Related Autosomal Recessive Cerebellar Ataxia; Spinocerebellar ataxia, autosomal recessive 8; ATAXIA, RECESSIVE, OF BEAUCE; SYNE1 Deficiency. Identifiers: Orphanet 88644, MedGen C1853116, MONDO:0012549, OMIM 610743.
Emery-Dreifuss muscular dystrophy 4, autosomal dominant (EDMD4). Also called: EMERY-DREIFUSS MUSCULAR DYSTROPHY 4 WITH VARIABLE FEATURES. Identifiers: Orphanet 261, MedGen C2751807, MONDO:0013071, OMIM 612998.

Allele frequency attached by ClinVar (database versions not stated): TOPMed 0.00004; gnomAD 0.00001; gnomAD exomes 0.00001; ExAC 0.00002.
gnomAD v4.1: 17 of 1,614,058 alleles (0.0011%); highest among the groups gnomAD compares: Admixed American, 0.0033%; no homozygotes.

Submission:

Labcorp Genetics (formerly Invitae), Labcorp
Classification: Uncertain significance for Emery-Dreifuss muscular dystrophy 4, autosomal dominant; Autosomal recessive ataxia, Beauce type. Last evaluated: 2022-08-16. Review status: criteria provided, single submitter. Criteria: Invitae Variant Classification Sherloc (09022015). Collection method: clinical testing. Allele origin: germline.
Comment: This sequence change replaces serine, which is neutral and polar, with asparagine, which is neutral and polar, at codon 4671 of the SYNE1 protein (p.Ser4671Asn). This variant is present in population databases (rs763637795, gnomAD 0.003%). This variant has not been reported in the literature in individuals affected with SYNE1-related conditions. ClinVar contains an entry for this variant (Variation ID: 1506475). Algorithms developed to predict the effect of missense changes on protein structure and function (SIFT, PolyPhen-2, Align-GVGD) all suggest that this variant is likely to be disruptive. In summary, the available evidence is currently insufficient to determine the role of this variant in disease. Therefore, it has been classified as a Variant of Uncertain Significance.

NM_182961.4(SYNE1):c.14225G>A (p.Ser4742Asn)

Gene: SYNE1 (spectrin repeat containing nuclear envelope protein 1; minus strand). Cytogenetic location: 6q25.2.
Variant type: single nucleotide variant.
Coding change: c.14225G>A on transcript NM_182961.4 (MANE Select); coding-DNA position 14225, G replaced by A.
Protein change: p.Ser4742Asn; replaces serine 4742 with asparagine.
Molecular consequence: missense variant.
Genome position (GRCh38, 1-based): chr6:152,330,460, C>T on the plus strand (G>A on the coding strand, the complement: SYNE1 is on the minus strand). VCF-style: chr6-152330460-C-T. GRCh37 (hg19) VCF-style: chr6-152651595-C-T.
Other names: c.14012G>A, p.Ser4671Asn (NM_033071.5); short protein forms S4742N, S4671N.
Identifiers: ClinVar variation 1506475 (VCV001506475.3), dbSNP rs763637795, ClinGen allele CA4056043.